The following is an entry in ClinVar:

NM_000094.4(COL7A1):c.4665_4667delinsCGG (p.Glu1555_Lys1556delinsAspGly)

Gene: COL7A1 (collagen type VII alpha 1 chain; minus strand). Cytogenetic location: 3p21.31.
Variant type: Indel.
Coding change: c.4665_4667delinsCGG on transcript NM_000094.4 (MANE Select); coding-DNA positions 4665 to 4667, AAA replaced by CGG.
Protein change: p.Glu1555_Lys1556delinsAspGly.
Molecular consequence: missense variant.
Genome position (GRCh38, 1-based): chr3:48,581,912-48,581,914, TTT replaced by CCG on the plus strand (AAA replaced by CGG on the coding strand, the reverse complement: COL7A1 is on the minus strand). VCF-style: chr3-48581912-TTT-CCG. GRCh37 (hg19) VCF-style: chr3-48619345-TTT-CCG.
Identifiers: ClinVar variation 2154587 (VCV002154587.8), dbSNP rs2531113923, ClinGen allele CA2580070021.
Genomic context (GRCh38, chr3:48,581,912, plus strand): 5'-GCCCTATGACCTAGACCTCAACCCTGTAGAAACCTCCCCTTGCCCCATACCAGGCTTACC[TTT>CCG]TCTCCTTTGGGTCCAGCAACAGCAGGTCCCTGAAAACAAACAGGACAGATACAGCTTGGC-3'

ClinVar aggregate classification (germline): Pathogenic/Likely pathogenic. Review status: criteria provided, multiple submitters, no conflicts (2 of 4 stars). 4 submissions from 4 submitters: Pathogenic (2); Likely pathogenic (2). Last evaluated 2025-10-14.

Conditions:
Epidermolysis bullosa dystrophica. Also called: Dystrophic epidermolysis bullosa; Dystrophic epidermolysis bullosa, Hallopeau-Siemens type (formerly). Identifiers: Orphanet 303, MedGen C0079294, MONDO:0006543.
Recessive dystrophic epidermolysis bullosa (RDEB). Also called: Epidermolysis Bullosa Distrophica Autosomal Recessive (RDEB); DYSTROPHIC EPIDERMOLYSIS BULLOSA, AUTOSOMAL RECESSIVE; EPIDERMOLYSIS BULLOSA DYSTROPHICA, HALLOPEAU-SIEMENS TYPE; EPIDERMOLYSIS BULLOSA DYSTROPHICA, GENERALIZED SEVERE, AUTOSOMAL RECESSIVE; severe generalized recessive dystrophic epidermolysis bullosa; epidermolysis bullosa dystrophica, autosomal recessive. Identifiers: Orphanet 79408, Orphanet 79409, MedGen C0079474, MONDO:0009179, OMIM 226600.
Transient bullous dermolysis of the newborn (TBDN). Also called: DYSTROPHIC EPIDERMOLYSIS BULLOSA, NEONATAL; EPIDERMOLYSIS BULLOSA DYSTROPHICA, NEONATAL FORM. Identifiers: Orphanet 79411, MedGen C1851573, MONDO:0007548, OMIM 131705.
Epidermolysis bullosa pruriginosa. Also called: DEB, PRURIGINOSA; DYSTROPHIC EPIDERMOLYSIS BULLOSA PRURIGINOSA. Identifiers: Orphanet 89843, MedGen C1275114, MONDO:0011398, OMIM 604129.
Generalized dominant dystrophic epidermolysis bullosa (DDEB). Also called: Dominant DEB (DDEB); DDEB, generalized; DDEB-gen; DYSTROPHIC EPIDERMOLYSIS BULLOSA, AUTOSOMAL DOMINANT; Epidermolysis bullosa dystrophica, autosomal dominant. Identifiers: Orphanet 231568, MedGen C0432322, MONDO:0007549, OMIM 131750.
Pretibial dystrophic epidermolysis bullosa. Also called: EPIDERMOLYSIS BULLOSA DYSTROPHICA, PRETIBIAL; Pretibial blistering; Pretibial epidermolysis bullosa. Identifiers: Orphanet 79410, MedGen C0432321, MONDO:0007552, OMIM 131850, HP:0012221.
Dominant dystrophic epidermolysis bullosa with absence of skin. Also called: EPIDERMOLYSIS BULLOSA DYSTROPHICA, BART TYPE; EPIDERMOLYSIS BULLOSA WITH CONGENITAL LOCALIZED ABSENCE OF SKIN AND DEFORMITY OF NAILS. Identifiers: MedGen C0268371, MONDO:0007557, OMIM 132000.
Nonsyndromic congenital nail disorder 8. Also called: TOENAIL DYSTROPHY, ISOLATED. Identifiers: MedGen C1843761, MONDO:0011852, OMIM 607523.

Submissions (4):

Labcorp Genetics (formerly Invitae), Labcorp
Classification: Pathogenic. Last evaluated: 2025-10-14. Review status: criteria provided, single submitter. Criteria: Invitae Variant Classification Sherloc (09022015). Collection method: clinical testing. Allele origin: germline.
Comment: This variant, c.4665_4667delinsCGG, is a complex sequence change that results in the deletion of 2 and insertion of 2 amino acid(s) in the COL7A1 protein (p.Glu1555_Lys1556delinsAspGly). Information on the frequency of this variant in the gnomAD database is not available, as this variant may be reported differently in the database. This variant has been observed in individual(s) with autosomal recessive dystrophic epidermolysis bullosa (PMID: 32484238). In at least one individual the data is consistent with being in trans (on the opposite chromosome) from a pathogenic variant. ClinVar contains an entry for this variant (Variation ID: 2154587). Experimental studies and prediction algorithms are not available or were not evaluated, and the functional significance of this variant is currently unknown. For these reasons, this variant has been classified as Pathogenic.

Natera, Inc.
Classification: Likely pathogenic for Dystrophic epidermolysis bullosa. Last evaluated: 2024-08-15. Review status: criteria provided, single submitter. Criteria: Natera Variant Classification Schema (03/2026). Collection method: clinical testing. Allele origin: germline.
Comment: The c.4665_4667delAAAinsCGG variant in COL7A1 is a deletion-insertion (delins) variant predicted to replace one or more nucleotides with a different sequence. This variant is rare in the general population with a frequency below the threshold expected for the associated phenotype(s). This variant has been observed in one or more individuals affected with the associated recessive disease, as either homozygous or compound heterozygous with a second variant (PMID: 27293135, 36287101). Given the available evidence, this variant is classified as Likely Pathogenic.

Fulgent Genetics
Classification: Likely pathogenic for Transient bullous dermolysis of the newborn; Generalized dominant dystrophic epidermolysis bullosa; Pretibial dystrophic epidermolysis bullosa; Dominant dystrophic epidermolysis bullosa with absence of skin; Recessive dystrophic epidermolysis bullosa; Epidermolysis bullosa pruriginosa; Nonsyndromic congenital nail disorder 8. Last evaluated: 2024-04-02. Review status: criteria provided, single submitter. Criteria: ACMG Guidelines, 2015. Collection method: clinical testing. Allele origin: germline.

Juno Genomics, Hangzhou Juno Genomics, Inc
Classification: Pathogenic for Transient bullous dermolysis of the newborn; Recessive dystrophic epidermolysis bullosa; Generalized dominant dystrophic epidermolysis bullosa; Dominant dystrophic epidermolysis bullosa with absence of skin; Nonsyndromic congenital nail disorder 8; Epidermolysis bullosa pruriginosa; Pretibial dystrophic epidermolysis bullosa. Review status: criteria provided, single submitter. Criteria: ACMG Guidelines, 2015. Collection method: clinical testing. Allele origin: germline.
Comment: Absent from controls (or at extremely low frequency if recessive) in Genome Aggregation Database.;For recessive disorders, detected in trans with a pathogenic variant.;Patient's phenotype or family history is highly specific for a disease with a single genetic etiology.;Co-segregation with disease in multiple affected family members.

Literature cited by the submitters: PubMed 32484238 (cited by Labcorp Genetics (formerly Invitae), Labcorp); PubMed 27293135 (cited by Natera, Inc.); PubMed 36287101 (cited by Natera, Inc.).